The following is an entry in ClinVar:

NM_001267550.2(TTN):c.44251_44257del (p.Val14751fs)

Gene: TTN (titin; minus strand). Cytogenetic location: 2q31.2.
Variant type: Deletion.
Coding change: c.44251_44257del on transcript NM_001267550.2 (MANE Select); coding-DNA positions 44251 to 44257, 7 bases deleted (GTTAAAT; older notation c.44251_44257delGTTAAAT).
Protein change: p.Val14751fs; shifts the reading frame from valine 14751.
Molecular consequence: frameshift variant.
Genome position (GRCh38, 1-based): chr2:178,630,265-178,630,271, ATTTAAC deleted on the plus strand (GTTAAAT on the coding strand, the reverse complement: TTN is on the minus strand); deleting any 7 consecutive bases within chr2:178,630,265-178,630,274 gives the same sequence; the c. name uses the placement nearest the transcript's 3' end. VCF-style (leftmost placement, unchanged base first): chr2-178630264-GATTTAAC-G. GRCh37 (hg19) VCF-style: chr2-179494991-GATTTAAC-G.
Other names: c.39328_39334del, p.Val13110fs (NM_001256850.1); c.17056_17062del, p.Val5686fs (NM_003319.4); c.36547_36553del, p.Val12183fs (NM_133378.4); c.17431_17437del, p.Val5811fs (NM_133432.3); c.17632_17638del, p.Val5878fs (NM_133437.4); short protein forms V12183fs, V13110fs, V14751fs, V5686fs, V5811fs, V5878fs.
Identifiers: ClinVar variation 3757168 (VCV003757168.2).

ClinVar aggregate classification (germline): Likely pathogenic (1 of 4 stars; one submission).

Conditions:
Dilated cardiomyopathy 1G (CMD1G). Identifiers: Orphanet 154, MedGen C1858763, MONDO:0011400, OMIM 604145.
Autosomal recessive limb-girdle muscular dystrophy type 2J (LGMDR10). Also called: Limb-girdle muscular dystrophy, type 2J; MUSCULAR DYSTROPHY, LIMB-GIRDLE, AUTOSOMAL RECESSIVE 10. Identifiers: Orphanet 140922, MedGen C1837342, MONDO:0012127, OMIM 608807.

Submission:

Labcorp Genetics (formerly Invitae), Labcorp
Classification: Likely pathogenic for Dilated cardiomyopathy 1G; Autosomal recessive limb-girdle muscular dystrophy type 2J. Last evaluated: 2024-10-24. Review status: criteria provided, single submitter. Criteria: Invitae Variant Classification Sherloc (09022015). Collection method: clinical testing. Allele origin: germline.
Comment: This sequence change creates a premature translational stop signal (p.Val14751Leufs*11) in the TTN gene. While this is not anticipated to result in nonsense mediated decay, it is expected to create a truncated TTN protein. This variant is not present in population databases (gnomAD no frequency). This variant has not been reported in the literature in individuals affected with TTN-related conditions. This variant is located in the I band of TTN (PMID: 25589632). Truncating variants in this region have been reported in individuals affected with autosomal recessive centronuclear myopathy (PMID: 23975875, internal data). Truncating variants in this region have also been identified in individuals affected with autosomal dominant dilated cardiomyopathy and/or cardio-related conditions (PMID: 27869827, 32964742, internal data). In summary, the currently available evidence indicates that the variant is pathogenic, but additional data are needed to prove that conclusively. Therefore, this variant has been classified as Likely Pathogenic.

Literature cited by the submitters: PubMed 25589632; PubMed 23975875; PubMed 27869827; PubMed 32964742.